The following is an entry in ClinVar:

ClinVar aggregate classification (germline): Uncertain significance (1 of 4 stars; one submission).

Allele frequency attached by ClinVar (database versions not stated): ExAC 0.00001.

Submission:

Labcorp Genetics (formerly Invitae), Labcorp
Classification: Uncertain significance. Last evaluated: 2024-11-10. Review status: criteria provided, single submitter. Criteria: Invitae Variant Classification Sherloc (09022015). Collection method: clinical testing. Allele origin: germline.
Comment: This sequence change replaces histidine, which is basic and polar, with proline, which is neutral and non-polar, at codon 667 of the TNNI3K protein (p.His667Pro). This variant is present in population databases (rs763187193, gnomAD 0.0009%). This variant has not been reported in the literature in individuals affected with TNNI3K-related conditions. ClinVar contains an entry for this variant (Variation ID: 2121554). An algorithm developed to predict the effect of missense changes on protein structure and function (PolyPhen-2) suggests that this variant is likely to be tolerated. In summary, the available evidence is currently insufficient to determine the role of this variant in disease. Therefore, it has been classified as a Variant of Uncertain Significance.

NM_015978.3(TNNI3K):c.2000A>C (p.His667Pro)

Genes: FPGT-TNNI3K (FPGT-TNNI3K readthrough; plus strand), TNNI3K (TNNI3 interacting kinase; plus strand). Cytogenetic location: 1p31.1.
Variant type: single nucleotide variant.
Coding change: c.2000A>C on transcript NM_015978.3 (MANE Select); coding-DNA position 2000, A replaced by C.
Protein change: p.His667Pro; replaces histidine 667 with proline.
Molecular consequence: missense variant.
Genome position (GRCh38, 1-based): chr1:74,439,611, A>C. VCF-style: chr1-74439611-A-C. GRCh37 (hg19) VCF-style: chr1-74905295-A-C.
Other names: c.2303A>C, p.His768Pro (NM_001112808.3, NM_001199327.2); short protein forms H768P, H667P.
Identifiers: ClinVar variation 2121554 (VCV002121554.4), dbSNP rs763187193, ClinGen allele CA909532.
Genomic context (GRCh38, chr1:74,439,611, plus strand): 5'-ATGTCTTCAGCTATGCTCTGTGTCTGTGGGAAATTCTCACTGGCGAAATTCCATTCGCTC[A>C]TCTCAAGCCAGGTAAGACACACTGCAATTGAAGTTTTCCTGTTTTACAGAGTTCACTGGA-3'
Protein context (NP_057062.1, residues 657-677): EILTGEIPFA[His667Pro]LKPAAAAADM